The following is an entry in ClinVar:

ClinVar aggregate classification (germline): Benign/Likely benign. Review status: criteria provided, multiple submitters, no conflicts (2 of 4 stars). 4 submissions from 4 submitters: Benign (1); Likely benign (3). Last evaluated 2026-01-28.

Conditions:
Hereditary spastic paraplegia 30. Identifiers: Orphanet 101010, MedGen C5235139, MONDO:0012476.
Neuropathy, hereditary sensory, type 2C. Also called: Hereditary sensory and autonomic neuropathy type IIC; KIF1A-Related HSAN2 (HSAN2C). Identifiers: Orphanet 970, MedGen C3280168, MONDO:0013634, OMIM 614213.
Intellectual disability, autosomal dominant 9 (NESCAVS). Also called: KIF1A-Related Neurodevelopmental Disorder; NESCAV SYNDROME. Identifiers: Orphanet 662367, MedGen C5393830, MONDO:0013656, OMIM 614255.

Allele frequency attached by ClinVar (database versions not stated): gnomAD exomes 0.00023 and 0.00072; ExAC 0.00079; ESP Exome Variant Server 0.00250; gnomAD 0.00259 and 0.00267; TOPMed 0.00292; 1000 Genomes Project 30x 0.00312; 1000 Genomes Project 0.00319.
gnomAD v4.1: 743 of 1,610,234 alleles (0.046%); highest among the groups gnomAD compares: African/African-American, 0.89%; 5 homozygotes.

Submissions (4):

Labcorp Genetics (formerly Invitae), Labcorp
Classification: Benign for Hereditary spastic paraplegia 30; Neuropathy, hereditary sensory, type 2C; Intellectual disability, autosomal dominant 9. Last evaluated: 2026-01-28. Review status: criteria provided, single submitter. Criteria: Invitae Variant Classification Sherloc (09022015). Collection method: clinical testing. Allele origin: germline.

Blueprint Genetics
Classification: Likely benign. Last evaluated: 2024-11-07. Review status: criteria provided, single submitter. Criteria: ACMG Guidelines, 2015. Collection method: clinical testing. Allele origin: germline.

ARUP Laboratories, Molecular Genetics and Genomics, ARUP Laboratories
Classification: Likely benign. Last evaluated: 2020-08-10. Review status: criteria provided, single submitter. Criteria: ARUP Molecular Germline Variant Investigation Process. Collection method: clinical testing. Allele origin: germline.

GeneDx
Classification: Likely benign. Last evaluated: 2017-03-02. Review status: criteria provided, single submitter. Criteria: GeneDx Variant Classification (06012015). Collection method: clinical testing. Allele origin: germline. Affected: yes.
Comment: This variant is considered likely benign or benign based on one or more of the following criteria: it is a conservative change, it occurs at a poorly conserved position in the protein, it is predicted to be benign by multiple in silico algorithms, and/or has population frequency not consistent with disease.

NM_001244008.2(KIF1A):c.3816+18C>T

Genes: KIF1A (kinesin family member 1A; minus strand), LOC126806583 (P300/CBP strongly-dependent group 1 enhancer GRCh37_chr2:241678910-241680109; plus strand). Cytogenetic location: 2q37.3.
Variant type: single nucleotide variant.
Coding change: c.3816+18C>T on transcript NM_001244008.2 (MANE Select); 18 bases into the intron after coding-DNA position 3816, C replaced by T.
Molecular consequence: intron variant.
Genome position (GRCh38, 1-based): chr2:240,740,280, G>A on the plus strand (C>T on the coding strand, the complement: KIF1A is on the minus strand). VCF-style: chr2-240740280-G-A. GRCh37 (hg19) VCF-style: chr2-241679697-G-A.
Other names: c.3513+18C>T (NM_001379653.1, NM_001379650.1, NM_001379641.1 and 5 more transcripts); c.3789+18C>T (NM_001379645.1, NM_001379633.1, NM_001379642.1); c.3615+18C>T (NM_001379635.1, NM_001330290.2, NM_001379646.1 and 1 more transcripts); c.3510+18C>T (NM_001379640.1); c.3765+18C>T (NM_001379632.1); c.3588+18C>T (NM_001379637.1, NM_001379648.1); c.3540+18C>T (NM_001320705.2, NM_001379638.1, NM_001330289.2); c.3891+18C>T (NM_001379631.1).
Identifiers: ClinVar variation 387312 (VCV000387312.18), dbSNP rs201725464, ClinGen allele CA2207636.